The following is an entry in ClinVar:

NM_001330260.2(SCN8A):c.4189_4208del (p.Asp1397fs)

Gene: SCN8A (sodium voltage-gated channel alpha subunit 8; plus strand). Cytogenetic location: 12q13.13.
Variant type: Deletion.
Coding change: c.4189_4208del on transcript NM_001330260.2 (MANE Select); coding-DNA positions 4189 to 4208, 20 bases deleted (GACAATGTTGGGGCAGGATA).
Protein change: p.Asp1397fs; shifts the reading frame from aspartic acid 1397.
Molecular consequence: frameshift variant.
Genome position (GRCh38, 1-based): chr12:51,786,788-51,786,807, GACAATGTTGGGGCAGGATA deleted. VCF-style (leftmost placement, unchanged base first): chr12-51786787-TGACAATGTTGGGGCAGGATA-T. GRCh37 (hg19) VCF-style: chr12-52180571-TGACAATGTTGGGGCAGGATA-T.
Other names: c.4066_4085del, p.Asp1356fs (NM_001177984.3, NM_001369788.1); c.4189_4208del, p.Asp1397fs (NM_014191.4); short protein forms D1356fs, D1397fs.
Identifiers: ClinVar variation 589412 (VCV000589412.6), dbSNP rs1565925940, ClinGen allele CA891843492.

ClinVar aggregate classification (germline): Pathogenic (1 of 4 stars; one submission).

Conditions:
Inborn genetic diseases. Identifiers: MedGen C0950123, MeSH D030342.

Submission:

Ambry Genetics
Classification: Pathogenic for Inborn genetic diseases. Last evaluated: 2016-09-28. Review status: criteria provided, single submitter. Criteria: Ambry Variant Classification Scheme 2023. Collection method: clinical testing. Allele origin: germline.
Comment: The c.4189_4208del20 pathogenic mutation, located in coding exon 21 of the SCN8A gene, results from a deletion of 20 nucleotides at nucleotide positions 4189 to 4208, causing a translational frameshift with a predicted alternate stop codon (p.D1397Pfs*26). This alteration is expected to result in loss of function by premature protein truncation or nonsense-mediated mRNA decay. As such, this alteration is interpreted as a disease-causing mutation.